The following is an entry in ClinVar:

NM_032634.4(PIGO):c.1250C>T (p.Ala417Val)

Gene: PIGO (phosphatidylinositol glycan anchor biosynthesis class O; minus strand). Cytogenetic location: 9p13.3.
Variant type: single nucleotide variant.
Coding change: c.1250C>T on transcript NM_032634.4 (MANE Select); coding-DNA position 1250, C replaced by T.
Protein change: p.Ala417Val; replaces alanine 417 with valine.
Molecular consequence: missense variant.
Genome position (GRCh38, 1-based): chr9:35,092,637, G>A on the plus strand (C>T on the coding strand, the complement: PIGO is on the minus strand). VCF-style: chr9-35092637-G-A. GRCh37 (hg19) VCF-style: chr9-35092634-G-A.
Other names: c.1250C>T, p.Ala417Val (NM_001201484.2, NM_152850.4); short protein forms A417V.
Identifiers: ClinVar variation 4747545 (VCV004747545.1).

ClinVar aggregate classification (germline): Uncertain significance (1 of 4 stars; one submission).

Conditions:
Hyperphosphatasia with impaired intellectual development syndrome 2. Also called: GLYCOSYLPHOSPHATIDYLINOSITOL BIOSYNTHESIS DEFECT 6; Hyperphosphatasia with intellectual disability syndrome 2. Identifiers: Orphanet 247262, MedGen C3553637, MONDO:0013882, OMIM 614749.

gnomAD v4.1: 2 of 1,614,118 alleles (0.00012%); highest among the groups gnomAD compares: Non-Finnish European, 0.00017%; no homozygotes.

Submission:

Labcorp Genetics (formerly Invitae), Labcorp
Classification: Uncertain significance for Hyperphosphatasia with impaired intellectual development syndrome 2. Last evaluated: 2025-02-28. Review status: criteria provided, single submitter. Criteria: Invitae Variant Classification Sherloc (09022015). Collection method: clinical testing. Allele origin: germline.
Comment: This sequence change replaces alanine, which is neutral and non-polar, with valine, which is neutral and non-polar, at codon 417 of the PIGO protein (p.Ala417Val). This variant is present in population databases (rs748866594, gnomAD 0.0009%). This variant has not been reported in the literature in individuals affected with PIGO-related conditions. Invitae Evidence Modeling of protein sequence and biophysical properties (such as structural, functional, and spatial information, amino acid conservation, physicochemical variation, residue mobility, and thermodynamic stability) indicates that this missense variant is not expected to disrupt PIGO protein function with a negative predictive value of 95%. In summary, the available evidence is currently insufficient to determine the role of this variant in disease. Therefore, it has been classified as a Variant of Uncertain Significance.